The following is an entry in ClinVar:

ClinVar aggregate classification (germline): Uncertain significance (1 of 4 stars; one submission).

gnomAD v4.1: 2 of 1,477,370 alleles (0.00014%); highest among the groups gnomAD compares: East Asian, 0.0025%; no homozygotes.

Submission:

Labcorp Genetics (formerly Invitae), Labcorp
Classification: Uncertain significance. Last evaluated: 2023-03-23. Review status: criteria provided, single submitter. Criteria: Invitae Variant Classification Sherloc (09022015). Collection method: clinical testing. Allele origin: germline.
Comment: This sequence change replaces serine, which is neutral and polar, with leucine, which is neutral and non-polar, at codon 372 of the MAGEL2 protein (p.Ser372Leu). In summary, the available evidence is currently insufficient to determine the role of this variant in disease. Therefore, it has been classified as a Variant of Uncertain Significance. Experimental studies and prediction algorithms are not available or were not evaluated, and the functional significance of this variant is currently unknown. ClinVar contains an entry for this variant (Variation ID: 1956182). This variant has not been reported in the literature in individuals affected with MAGEL2-related conditions. This variant is present in population databases (no rsID available, gnomAD 0.01%).

NM_019066.5(MAGEL2):c.1115C>T (p.Ser372Leu)

Gene: MAGEL2 (MAGE family member L2; minus strand). Cytogenetic location: 15q11.2.
Variant type: single nucleotide variant.
Coding change: c.1115C>T on transcript NM_019066.5 (MANE Select); coding-DNA position 1115, C replaced by T.
Protein change: p.Ser372Leu; replaces serine 372 with leucine.
Molecular consequence: missense variant.
Genome position (GRCh38, 1-based): chr15:23,646,628, G>A on the plus strand (C>T on the coding strand, the complement: MAGEL2 is on the minus strand). VCF-style: chr15-23646628-G-A. GRCh37 (hg19) VCF-style: chr15-23891775-G-A.
Other names: short protein forms S372L.
Identifiers: ClinVar variation 1956182 (VCV001956182.5), dbSNP rs1234830448, ClinGen allele CA391335144.